The following is an entry in ClinVar:

NM_000520.6(HEXA):c.1219G>T (p.Val407Phe)

Gene: HEXA (hexosaminidase subunit alpha; minus strand). Cytogenetic location: 15q23.
Variant type: single nucleotide variant.
Coding change: c.1219G>T on transcript NM_000520.6 (MANE Select); coding-DNA position 1219, G replaced by T.
Protein change: p.Val407Phe; replaces valine 407 with phenylalanine.
Molecular consequence: missense variant.
Genome position (GRCh38, 1-based): chr15:72,346,638, C>A on the plus strand (G>T on the coding strand, the complement: HEXA is on the minus strand). VCF-style: chr15-72346638-C-A. GRCh37 (hg19) VCF-style: chr15-72638979-C-A.
Other names: c.1252G>T, p.Val418Phe (NM_001318825.2); short protein forms V407F, V418F.
Identifiers: ClinVar variation 5003602 (VCV005003602.1).

ClinVar aggregate classification (germline): Uncertain significance (1 of 4 stars; one submission).

Conditions:
Tay-Sachs disease (TSD). Also called: GM2 gangliosidosis, type 1; Hexosaminidase alpha-subunit deficiency (variant B); Sphingolipidosis, Tay-Sachs; HEXA DEFICIENCY; HEXA Disorders; Hexosaminidase A Deficiency. Identifiers: Orphanet 845, MedGen C0039373, MONDO:0010100, OMIM 272800.

Submission:

Myriad Genetics, Inc.
Classification: Uncertain significance for Tay-Sachs disease. Last evaluated: 2025-12-05. Review status: criteria provided, single submitter. Criteria: Myriad Autosomal Dominant, Autosomal Recessive and X-Linked Classification Criteria (2023). Collection method: clinical testing. Allele origin: unknown.
Comment: NM_000520.4(HEXA):c.1219G>T(V407F) is a missense variant classified as a variant of uncertain significance in the context of hexosaminidase A deficiency. V407F has been observed in a case with relevant disease (PMID: 30006889). Relevant functional assessments of this variant are not available in the literature. V407F has not been observed in referenced population frequency databases. In summary, there is insufficient evidence to classify NM_000520.4(HEXA):c.1219G>T(V407F) as pathogenic or benign. Please note: this variant was assessed in the context of healthy population screening.

Literature cited by the submitters: PubMed 30006889.